The following is an entry in ClinVar:

NM_001004356.3(FGFRL1):c.1227G>A (p.Ala409=)

Gene: FGFRL1 (fibroblast growth factor receptor like 1; plus strand). Cytogenetic location: 4p16.3.
Variant type: single nucleotide variant.
Coding change: c.1227G>A on transcript NM_001004356.3 (MANE Select); coding-DNA position 1227, G replaced by A.
Protein change: p.Ala409=; no amino-acid change (alanine 409 retained).
Molecular consequence: synonymous variant.
Genome position (GRCh38, 1-based): chr4:1,025,059, G>A. VCF-style: chr4-1025059-G-A. GRCh37 (hg19) VCF-style: chr4-1018847-G-A.
Other names: c.1227G>A, p.Ala409= (NM_001004358.1, NM_001370296.1, NM_021923.3).
Identifiers: ClinVar variation 736361 (VCV000736361.11), dbSNP rs61734883, ClinGen allele CA2803035.

ClinVar aggregate classification (germline): Benign. Review status: criteria provided, single submitter (1 of 4 stars). 2 submissions from 2 submitters: Benign (1). 1 of the submissions does not count toward it. Last evaluated 2026-01-15.

Conditions:
FGFRL1-related disorder. Also called: FGFRL1-related condition.

Allele frequency attached by ClinVar (database versions not stated): 1000 Genomes Project 30x 0.00265; gnomAD 0.00278 and 0.00302; 1000 Genomes Project 0.00280; TOPMed 0.00337; gnomAD exomes 0.00085; ExAC 0.00109; ESP Exome Variant Server 0.00257.
gnomAD v4.1: 929 of 1,609,546 alleles (0.058%); highest among the groups gnomAD compares: African/African-American, 1%; 3 homozygotes.

Submissions (2):

Labcorp Genetics (formerly Invitae), Labcorp
Classification: Benign. Last evaluated: 2026-01-15. Review status: criteria provided, single submitter. Criteria: Invitae Variant Classification Sherloc (09022015). Collection method: clinical testing. Allele origin: germline.

PreventionGenetics, part of Exact Sciences
Classification: Benign for FGFRL1-related condition. Last evaluated: 2019-04-01. Review status: no assertion criteria provided. Collection method: clinical testing. Allele origin: germline. Not counted in ClinVar's aggregate classification.
Comment: This variant is classified as benign based on ACMG/AMP sequence variant interpretation guidelines (Richards et al. 2015 PMID: 25741868, with internal and published modifications).